The following is an entry in ClinVar:

NM_001002010.5(NT5C3A):c.861G>A (p.Glu287=)

Gene: NT5C3A (5'-nucleotidase, cytosolic IIIA; minus strand). Cytogenetic location: 7p14.3.
Variant type: single nucleotide variant.
Coding change: c.861G>A on transcript NM_001002010.5 (MANE Select); coding-DNA position 861, G replaced by A.
Protein change: p.Glu287=; no amino-acid change (glutamic acid 287 retained).
Molecular consequence: synonymous variant. On other transcripts: intron variant (1).
Genome position (GRCh38, 1-based): chr7:33,015,703, C>T on the plus strand (G>A on the coding strand, the complement: NT5C3A is on the minus strand). VCF-style: chr7-33015703-C-T. GRCh37 (hg19) VCF-style: chr7-33055315-C-T.
Other names: p.Glu287=; c.861G>A (NM_001002010.4); c.759G>A, p.Glu253= (NM_001002009.3, NM_016489.14); c.723G>A, p.Glu241= (NM_001166118.3, NM_001356996.3, NM_001374336.1 and 1 more transcripts); c.762G>A, p.Glu254= (NM_001374335.1); c.660G>A, p.Glu220= (NM_001374339.1); c.694-872G>A (NM_001374338.1).
Identifiers: ClinVar variation 780675 (VCV000780675.21), dbSNP rs72555746, ClinGen allele CA4213302.

ClinVar aggregate classification (germline): Benign/Likely benign. Review status: criteria provided, multiple submitters, no conflicts (2 of 4 stars). 3 submissions from 3 submitters: Benign (2); Likely benign (1). Last evaluated 2026-01-21.

Conditions:
Hemolytic anemia due to pyrimidine 5' nucleotidase deficiency (CNSHA8). Also called: UMPH1 DEFICIENCY; P5N DEFICIENCY; PYRIMIDINE 5-PRIME NUCLEOTIDASE DEFICIENCY, HEMOLYTIC ANEMIA DUE TO; HEMOLYTIC ANEMIA DUE TO P5N DEFICIENCY; HEMOLYTIC ANEMIA DUE TO UMPH1 DEFICIENCY. Identifiers: Orphanet 35120, MedGen C1849507, MONDO:0009946, OMIM 266120.

Allele frequency attached by ClinVar (database versions not stated): gnomAD 0.00310 and 0.00408; ESP Exome Variant Server 0.00315; TOPMed 0.00329; ExAC 0.00765; 1000 Genomes Project 30x 0.00906; 1000 Genomes Project 0.00938.
gnomAD v4.1: 9,579 of 1,610,512 alleles (0.59%); highest among the groups gnomAD compares: South Asian, 2.9%; 81 homozygotes.

Submissions (3):

Labcorp Genetics (formerly Invitae), Labcorp
Classification: Benign. Last evaluated: 2026-01-21. Review status: criteria provided, single submitter. Criteria: Invitae Variant Classification Sherloc (09022015). Collection method: clinical testing. Allele origin: germline.

Mayo Clinic Laboratories, Mayo Clinic
Classification: Likely benign. Last evaluated: 2025-11-04. Review status: criteria provided, single submitter. Criteria: ACMG Guidelines, 2015. Collection method: clinical testing. Allele origin: germline. Observed: 28 variant alleles.
Comment: BP4, BP7

ARUP Laboratories, Molecular Genetics and Genomics, ARUP Laboratories
Classification: Benign for Hemolytic anemia due to pyrimidine 5' nucleotidase deficiency. Last evaluated: 2025-07-18. Review status: criteria provided, single submitter. Criteria: ARUP Molecular Germline Variant Investigation Process 2024. Collection method: clinical testing. Allele origin: germline.